The following is an entry in ClinVar:

NM_000368.5(TSC1):c.1997+5G>A

Gene: TSC1 (TSC complex subunit 1; minus strand). Cytogenetic location: 9q34.13.
Variant type: single nucleotide variant.
Coding change: c.1997+5G>A on transcript NM_000368.5 (MANE Select); 5 bases into the intron after coding-DNA position 1997, G replaced by A.
Molecular consequence: intron variant.
Genome position (GRCh38, 1-based): chr9:132,905,576, C>T on the plus strand (G>A on the coding strand, the complement: TSC1 is on the minus strand). VCF-style: chr9-132905576-C-T. GRCh37 (hg19) VCF-style: chr9-135780963-C-T.
Other names: c.1634+5G>A (NM_001362177.2); c.1844+5G>A (NM_001162427.2); c.1994+5G>A (NM_001162426.2).
Identifiers: ClinVar variation 1524062 (VCV001524062.6), dbSNP rs1554815679, ClinGen allele CA2573144268.
Genomic context (GRCh38, chr9:132,905,576, plus strand): 5'-ACACTTTCTGTACTTCACAATAAAATGGACCATTTAACACAGAAGAGAGTGCCCCAGTCC[C>T]TTACTTGTTCAGCTCCTTGCTGTGCGCGTCTGCTCCCTGCTGTATCAGTCTGTCCAGCAC-3'

ClinVar aggregate classification (germline): Uncertain significance (1 of 4 stars; one submission).

Conditions:
Tuberous sclerosis 1 (TSC1). Identifiers: Orphanet 805, MedGen C1854465, MONDO:0008612, OMIM 191100.

Submission:

Labcorp Genetics (formerly Invitae), Labcorp
Classification: Uncertain significance for Tuberous sclerosis 1. Last evaluated: 2021-04-08. Review status: criteria provided, single submitter. Criteria: Invitae Variant Classification Sherloc (09022015). Collection method: clinical testing. Allele origin: germline.
Comment: In summary, the available evidence is currently insufficient to determine the role of this variant in disease. Therefore, it has been classified as a Variant of Uncertain Significance. Nucleotide substitutions within the consensus splice site are a relatively common cause of aberrant splicing (PMID: 17576681, 9536098). Algorithms developed to predict the effect of sequence changes on RNA splicing suggest that this variant may disrupt the consensus splice site, but this prediction has not been confirmed by published transcriptional studies. This variant has not been reported in the literature in individuals with TSC1-related conditions. This variant is not present in population databases (ExAC no frequency). This sequence change falls in intron 15 of the TSC1 gene. It does not directly change the encoded amino acid sequence of the TSC1 protein. It affects a nucleotide within the consensus splice site of the intron.

Literature cited by the submitters: PubMed 17576681; PubMed 9536098.